The following is an entry in ClinVar:

ClinVar aggregate classification (germline): Likely pathogenic (1 of 4 stars; one submission).

Conditions:
Early-infantile DEE. Also called: Early infantile epileptic encephalopathy; Ohtahara syndrome; Early infantile epileptic encephalopathy with suppression bursts. Identifiers: Orphanet 1934, MedGen C0393706, MONDO:0800491.

Submission:

Labcorp Genetics (formerly Invitae), Labcorp
Classification: Likely pathogenic for Early-infantile DEE. Last evaluated: 2019-07-15. Review status: criteria provided, single submitter. Criteria: Invitae Variant Classification Sherloc (09022015). Collection method: clinical testing. Allele origin: germline.
Comment: This variant, c.149_151del, is a complex sequence change that results in the deletion of 2 and insertion of 1 amino acids in the SCN1A protein (p.Lys50_Pro51delinsThr). This variant is not present in population databases (ExAC no frequency). Experimental studies and prediction algorithms are not available or were not evaluated for this variant, and the functional significance of the affected amino acid(s) is currently unknown. In summary, the currently available evidence indicates that the variant is pathogenic, but additional data are needed to prove that conclusively. Therefore, this variant has been classified as Likely Pathogenic.

NM_001165963.4(SCN1A):c.149_151del (p.Lys50_Pro51delinsThr)

Gene: SCN1A (sodium voltage-gated channel alpha subunit 1; minus strand). Cytogenetic location: 2q24.3.
Variant type: Deletion.
Coding change: c.149_151del on transcript NM_001165963.4 (MANE Select); coding-DNA positions 149 to 151, 3 bases deleted (AGC; older notation c.149_151delAGC).
Protein change: p.Lys50_Pro51delinsThr.
Molecular consequence: inframe indel. On other transcripts: 5 prime UTR variant (1), non-coding transcript variant (1).
Genome position (GRCh38, 1-based): chr2:166,073,471-166,073,473, GCT deleted on the plus strand (AGC on the coding strand, the reverse complement: SCN1A is on the minus strand). VCF-style (leftmost placement, unchanged base first): chr2-166073470-GGCT-G. GRCh37 (hg19) VCF-style: chr2-166929980-GGCT-G.
Other names: c.149_151del, p.Lys50_Pro51delinsThr (NM_001165964.3, NM_001202435.3, NM_001353948.2 and 10 more transcripts); c.-2277_-2275del (NM_001353961.2).
Identifiers: ClinVar variation 945793 (VCV000945793.10), dbSNP rs1684680680, ClinGen allele CA1139657328.